The following is an entry in ClinVar:

NM_000350.3(ABCA4):c.1082C>G (p.Ser361Cys)

Gene: ABCA4 (ATP binding cassette subfamily A member 4; minus strand). Cytogenetic location: 1p22.1.
Variant type: single nucleotide variant.
Coding change: c.1082C>G on transcript NM_000350.3 (MANE Select); coding-DNA position 1082, C replaced by G.
Protein change: p.Ser361Cys; replaces serine 361 with cysteine.
Molecular consequence: missense variant.
Genome position (GRCh38, 1-based): chr1:94,080,495, G>C on the plus strand (C>G on the coding strand, the complement: ABCA4 is on the minus strand). VCF-style: chr1-94080495-G-C. GRCh37 (hg19) VCF-style: chr1-94546051-G-C.
Other names: c.1082C>G, p.Ser361Cys (NM_001425324.1); c.1082C>G (NM_000350.2); short protein forms S361C.
Identifiers: ClinVar variation 2071653 (VCV002071653.3), dbSNP rs748487419, ClinGen allele CA958653.

ClinVar aggregate classification (germline): Uncertain significance. Review status: criteria provided, multiple submitters, no conflicts (2 of 4 stars). 3 submissions from 3 submitters: Uncertain significance (3). Last evaluated 2025-11-26.

Conditions:
Inborn genetic diseases. Identifiers: MedGen C0950123, MeSH D030342.

Submissions (3):

Ambry Genetics
Classification: Uncertain significance for Inborn genetic diseases. Last evaluated: 2025-11-26. Review status: criteria provided, single submitter. Criteria: Ambry Variant Classification Scheme 2023. Collection method: clinical testing. Allele origin: germline.

Blueprint Genetics
Classification: Uncertain significance. Last evaluated: 2023-01-12. Review status: criteria provided, single submitter. Criteria: ACMG Guidelines, 2015. Collection method: clinical testing. Allele origin: germline.

Labcorp Genetics (formerly Invitae), Labcorp
Classification: Uncertain significance. Last evaluated: 2022-02-17. Review status: criteria provided, single submitter. Criteria: Invitae Variant Classification Sherloc (09022015). Collection method: clinical testing. Allele origin: germline.
Comment: This sequence change replaces serine, which is neutral and polar, with cysteine, which is neutral and slightly polar, at codon 361 of the ABCA4 protein (p.Ser361Cys). This variant is present in population databases (rs748487419, gnomAD 0.002%). This variant has not been reported in the literature in individuals affected with ABCA4-related conditions. Advanced modeling of protein sequence and biophysical properties (such as structural, functional, and spatial information, amino acid conservation, physicochemical variation, residue mobility, and thermodynamic stability) performed at Invitae indicates that this missense variant is not expected to disrupt ABCA4 protein function. In summary, the available evidence is currently insufficient to determine the role of this variant in disease. Therefore, it has been classified as a Variant of Uncertain Significance.